The following is an entry in ClinVar:

NM_199420.4(POLQ):c.7276T>C (p.Phe2426Leu)

Gene: POLQ (DNA polymerase theta; minus strand). Cytogenetic location: 3q13.33.
Variant type: single nucleotide variant.
Coding change: c.7276T>C on transcript NM_199420.4 (MANE Select); coding-DNA position 7276, T replaced by C.
Protein change: p.Phe2426Leu; replaces phenylalanine 2426 with leucine.
Molecular consequence: missense variant.
Genome position (GRCh38, 1-based): chr3:121,440,105, A>G on the plus strand (T>C on the coding strand, the complement: POLQ is on the minus strand). VCF-style: chr3-121440105-A-G. GRCh37 (hg19) VCF-style: chr3-121158952-A-G.
Other names: short protein forms F2426L.
Identifiers: ClinVar variation 1758032 (VCV001758032.2), dbSNP rs2546749976, ClinGen allele CA354098953.

ClinVar aggregate classification (germline): Uncertain significance (1 of 4 stars; one submission).

Allele frequency attached by ClinVar (database versions not stated): gnomAD exomes below 0.00001.
gnomAD v4.1: 1 of 1,606,220 alleles (0.000062%); no homozygotes.

Submission:

Ambry Genetics
Classification: Uncertain significance. Last evaluated: 2024-01-29. Review status: criteria provided, single submitter. Criteria: Ambry Variant Classification Scheme 2023. Collection method: clinical testing. Allele origin: germline.
Comment: The p.F2426L variant (also known as c.7276T>C), located in coding exon 27 of the POLQ gene, results from a T to C substitution at nucleotide position 7276. The phenylalanine at codon 2426 is replaced by leucine, an amino acid with highly similar properties. This amino acid position is conserved. In addition, this alteration is predicted to be deleterious by in silico analysis. Since supporting evidence is limited at this time, the clinical significance of this alteration remains unclear.